The following is an entry in ClinVar:

ClinVar aggregate classification (germline): Uncertain significance. Review status: criteria provided, multiple submitters, no conflicts (2 of 4 stars). 2 submissions from 2 submitters: Uncertain significance (2). Last evaluated 2026-07-15.

Conditions:
MYCBP2-related disorder. Also called: MYCBP2-related condition.
Inborn genetic diseases. Identifiers: MedGen C0950123, MeSH D030342.

gnomAD v4.1: 44 of 1,612,184 alleles (0.0027%); highest among the groups gnomAD compares: Non-Finnish European, 0.0033%; no homozygotes.

Submissions (2):

PreventionGenetics, part of Exact Sciences
Classification: Uncertain significance for MYCBP2-related condition. Last evaluated: 2026-07-15. Review status: criteria provided, single submitter. Criteria: ACMG Guidelines, 2015. Collection method: clinical testing. Allele origin: germline.
Comment: The MYCBP2 c.5129C>A variant is predicted to result in the amino acid substitution p.Ser1710Tyr. To our knowledge, this variant has not been reported in the literature. This variant is present in 0.0031% of alleles in individuals of European (Non-Finnish) descent in gnomAD. At this time, the clinical significance of this variant is uncertain due to the absence of conclusive functional and genetic evidence.

Ambry Genetics
Classification: Uncertain significance for Inborn genetic diseases. Last evaluated: 2025-08-01. Review status: criteria provided, single submitter. Criteria: Ambry Variant Classification Scheme 2023. Collection method: clinical testing. Allele origin: germline.

NM_015057.5(MYCBP2):c.5129C>A (p.Ser1710Tyr)

Gene: MYCBP2 (MYC binding protein 2; minus strand). Cytogenetic location: 13q22.3.
Variant type: single nucleotide variant.
Coding change: c.5129C>A on transcript NM_015057.5 (MANE Select); coding-DNA position 5129, C replaced by A.
Protein change: p.Ser1710Tyr; replaces serine 1710 with tyrosine.
Molecular consequence: missense variant.
Genome position (GRCh38, 1-based): chr13:77,180,131, G>T on the plus strand (C>A on the coding strand, the complement: MYCBP2 is on the minus strand). VCF-style: chr13-77180131-G-T. GRCh37 (hg19) VCF-style: chr13-77754266-G-T.
Other names: short protein forms S1710Y.
Identifiers: ClinVar variation 4114375 (VCV004114375.2).